The following is an entry in ClinVar:

NM_015629.4(PRPF31):c.582G>A (p.Ala194=)

Gene: PRPF31 (pre-mRNA processing factor 31; plus strand). Cytogenetic location: 19q13.42.
Variant type: single nucleotide variant.
Coding change: c.582G>A on transcript NM_015629.4 (MANE Select); coding-DNA position 582, G replaced by A.
Protein change: p.Ala194=; no amino-acid change (alanine 194 retained).
Molecular consequence: synonymous variant.
Genome position (GRCh38, 1-based): chr19:54,123,803, G>A. VCF-style: chr19-54123803-G-A. GRCh37 (hg19) VCF-style: chr19-54627182-G-A.
Identifiers: ClinVar variation 893467 (VCV000893467.14), dbSNP rs757374570, ClinGen allele CA309325164.

ClinVar aggregate classification (germline): Conflicting classifications of pathogenicity. Review status: criteria provided, conflicting classifications (1 of 4 stars). 4 submissions from 4 submitters: Uncertain significance (1); Likely benign (2). 1 of the submissions does not count toward it. Last evaluated 2025-04-16.

Conditions:
Retinitis pigmentosa (RP). Identifiers: Orphanet 791, MedGen C0035334, MeSH D012174, MONDO:0019200, OMIM 268000. Inheritance: Autosomal dominant, autosomal recessive and X linked inheritance.
PRPF31-related disorder. Also called: PRPF31-related condition.

Allele frequency attached by ClinVar (database versions not stated): ExAC 0.00002; TOPMed 0.00007.
gnomAD v4.1: 67 of 1,612,842 alleles (0.0042%); highest among the groups gnomAD compares: Middle Eastern, 0.25%; no homozygotes.

Submissions (4):

Labcorp Genetics (formerly Invitae), Labcorp
Classification: Likely benign. Last evaluated: 2025-04-16. Review status: criteria provided, single submitter. Criteria: Invitae Variant Classification Sherloc (09022015). Collection method: clinical testing. Allele origin: germline.

Blueprint Genetics
Classification: Likely benign. Last evaluated: 2024-07-02. Review status: criteria provided, single submitter. Criteria: ACMG Guidelines, 2015. Collection method: clinical testing. Allele origin: germline.

Illumina Laboratory Services, Illumina
Classification: Uncertain significance for Retinitis pigmentosa. Last evaluated: 2018-01-13. Review status: criteria provided, single submitter. Criteria: ICSL Variant Classification Criteria 13 December 2019. Collection method: clinical testing. Allele origin: germline.

PreventionGenetics, part of Exact Sciences
Classification: Likely benign for PRPF31-related condition. Last evaluated: 2019-05-24. Review status: no assertion criteria provided. Collection method: clinical testing. Allele origin: germline. Not counted in ClinVar's aggregate classification.
Comment: This variant is classified as likely benign based on ACMG/AMP sequence variant interpretation guidelines (Richards et al. 2015 PMID: 25741868, with internal and published modifications).